The following is an entry in ClinVar:

ClinVar aggregate classification (germline): Uncertain significance. Review status: criteria provided, multiple submitters, no conflicts (2 of 4 stars). 2 submissions from 2 submitters: Uncertain significance (2). Last evaluated 2025-01-22.

Conditions:
Cardiovascular phenotype. Identifiers: MedGen CN230736.

Submissions (2):

Labcorp Genetics (formerly Invitae), Labcorp
Classification: Uncertain significance. Last evaluated: 2025-01-22. Review status: criteria provided, single submitter. Criteria: Invitae Variant Classification Sherloc (09022015). Collection method: clinical testing. Allele origin: germline.
Comment: This sequence change affects codon 1711 of the ALPK3 mRNA. It is a 'silent' change, meaning that it does not change the encoded amino acid sequence of the ALPK3 protein. This variant is not present in population databases (gnomAD no frequency). This variant has not been reported in the literature in individuals affected with ALPK3-related conditions. ClinVar contains an entry for this variant (Variation ID: 1745552). Algorithms developed to predict the effect of sequence changes on RNA splicing suggest that this variant may disrupt the consensus splice site. In summary, the available evidence is currently insufficient to determine the role of this variant in disease. Therefore, it has been classified as a Variant of Uncertain Significance.

Ambry Genetics
Classification: Uncertain significance for Cardiovascular phenotype. Last evaluated: 2022-10-18. Review status: criteria provided, single submitter. Criteria: Ambry Variant Classification Scheme 2023. Collection method: clinical testing. Allele origin: germline.
Comment: The c.5131C>A variant (also known as p.R1711R), located in coding exon 12 of the ALPK3 gene, results from a C to A substitution at nucleotide position 5131. This nucleotide substitution does not change the arginine at codon 1711. This nucleotide position is highly conserved in available vertebrate species. In silico splice site analysis predicts that this alteration will weaken the native splice acceptor site and will result in the creation or strengthening of a novel splice acceptor site. Since supporting evidence is limited at this time, the clinical significance of this alteration remains unclear.

NM_020778.5(ALPK3):c.4525C>A (p.Arg1509=)

Gene: ALPK3 (alpha kinase 3; plus strand). Cytogenetic location: 15q25.3.
Variant type: single nucleotide variant.
Coding change: c.4525C>A on transcript NM_020778.5 (MANE Select); coding-DNA position 4525, C replaced by A.
Protein change: p.Arg1509=; no amino-acid change (arginine 1509 retained).
Molecular consequence: synonymous variant.
Genome position (GRCh38, 1-based): chr15:84,864,467, C>A. VCF-style: chr15-84864467-C-A. GRCh37 (hg19) VCF-style: chr15-85407698-C-A.
Identifiers: ClinVar variation 1745552 (VCV001745552.4), dbSNP rs776900526, ClinGen allele CA492010851.